The following is an entry in ClinVar:

ClinVar aggregate classification (germline): Likely benign (0 of 4 stars; one submission).

Conditions:
VPS13B-related disorder. Also called: VPS13B-related condition.

gnomAD v4.1: 3 of 1,612,722 alleles (0.00019%); highest among the groups gnomAD compares: Admixed American, 0.005%; no homozygotes.

Submission:

PreventionGenetics, part of Exact Sciences
Classification: Likely benign for VPS13B-related condition. Last evaluated: 2024-03-12. Review status: no assertion criteria provided. Collection method: clinical testing. Allele origin: germline.
Comment: This variant is classified as likely benign based on ACMG/AMP sequence variant interpretation guidelines (Richards et al. 2015 PMID: 25741868, with internal and published modifications).

NM_152564.5(VPS13B):c.4764A>T (p.Gly1588=)

Gene: VPS13B (vacuolar protein sorting 13 homolog B; plus strand). Cytogenetic location: 8q22.2.
Variant type: single nucleotide variant.
Coding change: c.4764A>T on transcript NM_152564.5 (MANE Select); coding-DNA position 4764, A replaced by T.
Protein change: p.Gly1588=; no amino-acid change (glycine 1588 retained).
Molecular consequence: synonymous variant.
Genome position (GRCh38, 1-based): chr8:99,556,468, A>T. VCF-style: chr8-99556468-A-T. GRCh37 (hg19) VCF-style: chr8-100568696-A-T.
Other names: c.4839A>T, p.Gly1613= (NM_017890.5).
Identifiers: ClinVar variation 3349517 (VCV003349517.1).